The following is an entry in ClinVar:

ClinVar aggregate classification (germline): Uncertain significance (1 of 4 stars; one submission).

Conditions:
Hereditary cancer-predisposing syndrome. Also called: Hereditary Cancer Syndrome; Hereditary neoplastic syndrome; Neoplastic Syndromes, Hereditary; Tumor predisposition. Identifiers: Orphanet 140162, MedGen C0027672, MeSH D009386, MONDO:0015356.

Submission:

Ambry Genetics
Classification: Uncertain significance for Hereditary cancer-predisposing syndrome. Last evaluated: 2026-08-21. Review status: criteria provided, single submitter. Criteria: Ambry Variant Classification Scheme 2023. Collection method: clinical testing. Allele origin: germline.
Comment: The p.V200A variant (also known as c.599T>C), located in coding exon 5 of the TSC1 gene, results from a T to C substitution at nucleotide position 599. The valine at codon 200 is replaced by alanine, an amino acid with similar properties. This amino acid position is well conserved in available vertebrate species. In addition, this alteration is predicted to be deleterious by in silico analysis. Based on the available evidence, the clinical significance of this variant remains unclear.

NM_000368.5(TSC1):c.599T>C (p.Val200Ala)

Gene: TSC1 (TSC complex subunit 1; minus strand). Cytogenetic location: 9q34.13.
Variant type: single nucleotide variant.
Coding change: c.599T>C on transcript NM_000368.5 (MANE Select); coding-DNA position 599, T replaced by C.
Protein change: p.Val200Ala; replaces valine 200 with alanine.
Molecular consequence: missense variant.
Genome position (GRCh38, 1-based): chr9:132,921,883, A>G on the plus strand (T>C on the coding strand, the complement: TSC1 is on the minus strand). VCF-style: chr9-132921883-A-G. GRCh37 (hg19) VCF-style: chr9-135797270-A-G.
Other names: c.599T>C, p.Val200Ala (NM_001162426.2, NM_001406592.1, NM_001406593.1 and 16 more transcripts); c.446T>C, p.Val149Ala (NM_001162427.2, NM_001406613.1, NM_001406610.1 and 2 more transcripts); c.236T>C, p.Val79Ala (NM_001362177.2, NM_001406614.1, NM_001406615.1 and 10 more transcripts); c.-279T>C (NM_001406626.1, NM_001406627.1, NM_001406628.1); c.-421T>C (NM_001406629.1); c.-495T>C (NM_001406630.1); short protein forms V149A, V200A, V79A.
Identifiers: ClinVar variation 1750943 (VCV001750943.3), dbSNP rs2132154222, ClinGen allele CA375372528.